The following is an entry in ClinVar:

ClinVar aggregate classification (germline): Uncertain significance (1 of 4 stars; one submission).

gnomAD v4.1: 59 of 1,613,238 alleles (0.0037%); highest among the groups gnomAD compares: East Asian, 0.13%; no homozygotes.

Submission:

Labcorp Genetics (formerly Invitae), Labcorp
Classification: Uncertain significance. Last evaluated: 2025-06-06. Review status: criteria provided, single submitter. Criteria: Invitae Variant Classification Sherloc (09022015). Collection method: clinical testing. Allele origin: germline.
Comment: This sequence change replaces glycine, which is neutral and non-polar, with tryptophan, which is neutral and slightly polar, at codon 195 of the FBN3 protein (p.Gly195Trp). The frequency data for this variant in the population databases is considered unreliable, as metrics indicate poor data quality at this position in the gnomAD database. This variant has not been reported in the literature in individuals affected with FBN3-related conditions. An algorithm developed to predict the effect of missense changes on protein structure and function (PolyPhen-2) suggests that this variant is likely to be disruptive. In summary, the available evidence is currently insufficient to determine the role of this variant in disease. Therefore, it has been classified as a Variant of Uncertain Significance.

NM_032447.5(FBN3):c.583G>T (p.Gly195Trp)

Gene: FBN3 (fibrillin 3; minus strand). Cytogenetic location: 19p13.2.
Variant type: single nucleotide variant.
Coding change: c.583G>T on transcript NM_032447.5 (MANE Select); coding-DNA position 583, G replaced by T.
Protein change: p.Gly195Trp; replaces glycine 195 with tryptophan.
Molecular consequence: missense variant.
Genome position (GRCh38, 1-based): chr19:8,142,096, C>A on the plus strand (G>T on the coding strand, the complement: FBN3 is on the minus strand). VCF-style: chr19-8142096-C-A. GRCh37 (hg19) VCF-style: chr19-8206980-C-A.
Other names: c.583G>T, p.Gly195Trp (NM_001321431.2); short protein forms G195W.
Identifiers: ClinVar variation 4798199 (VCV004798199.1).